The following is an entry in ClinVar:

ClinVar aggregate classification (germline): Likely benign (1 of 4 stars; one submission).

Conditions:
Macular corneal dystrophy (MCD). Also called: GROENOUW TYPE II CORNEAL DYSTROPHY; Macular corneal dystrophy Type I. Identifiers: Orphanet 98969, MedGen C1636149, MONDO:0009020, OMIM 217800.

Allele frequency attached by ClinVar (database versions not stated): gnomAD exomes 0.00029; 1000 Genomes Project 0.00200; 1000 Genomes Project 30x 0.00219; gnomAD 0.00232 and 0.00250; TOPMed 0.00253.

Submission:

Illumina Laboratory Services, Illumina
Classification: Likely benign for Macular corneal dystrophy. Last evaluated: 2018-01-13. Review status: criteria provided, single submitter. Criteria: ICSL Variant Classification Criteria 13 December 2019. Collection method: clinical testing. Allele origin: germline.
Comment: This variant was observed in the ICSL laboratory as part of a predisposition screen in an ostensibly healthy population. It had not been previously curated by ICSL or reported in the Human Gene Mutation Database (HGMD: prior to June 1st, 2018), and was therefore a candidate for classification through an automated scoring system. Utilizing variant allele frequency, disease prevalence and penetrance estimates, and inheritance mode, an automated score was calculated to assess if this variant is too frequent to cause the disease. Based on the score and internal cut-off values, a variant classified as likely benign is not then subjected to further curation. The score for this variant resulted in a classification of likely benign for this disease.

NM_021615.5(CHST6):c.*3917G>A

Gene: CHST6 (carbohydrate sulfotransferase 6; minus strand). Cytogenetic location: 16q23.1.
Variant type: single nucleotide variant.
Coding change: c.*3917G>A on transcript NM_021615.5 (MANE Select); 3917 bases downstream of the stop codon, G replaced by A.
Molecular consequence: 3 prime UTR variant.
Genome position (GRCh38, 1-based): chr16:75,474,724, C>T on the plus strand (G>A on the coding strand, the complement: CHST6 is on the minus strand). VCF-style: chr16-75474724-C-T. GRCh37 (hg19) VCF-style: chr16-75508622-C-T.
Identifiers: ClinVar variation 887983 (VCV000887983.4), dbSNP rs180746384, ClinGen allele CA14306992.